The following is an entry in ClinVar:

NM_000359.3(TGM1):c.1653C>T (p.Asp551=)

Gene: TGM1 (transglutaminase 1; minus strand). Cytogenetic location: 14q12.
Variant type: single nucleotide variant.
Coding change: c.1653C>T on transcript NM_000359.3 (MANE Select); coding-DNA position 1653, C replaced by T.
Protein change: p.Asp551=; no amino-acid change (aspartic acid 551 retained).
Molecular consequence: synonymous variant.
Genome position (GRCh38, 1-based): chr14:24,255,246, G>A on the plus strand (C>T on the coding strand, the complement: TGM1 is on the minus strand). VCF-style: chr14-24255246-G-A. GRCh37 (hg19) VCF-style: chr14-24724452-G-A.
Identifiers: ClinVar variation 742155 (VCV000742155.15), dbSNP rs2855111, ClinGen allele CA7131010.

ClinVar aggregate classification (germline): Likely benign. Review status: criteria provided, multiple submitters, no conflicts (2 of 4 stars). 4 submissions from 4 submitters: Likely benign (2). 2 of the submissions do not count toward it. Last evaluated 2025-12-24.

Conditions:
Autosomal recessive congenital ichthyosis 1 (LI1). Also called: ICHTHYOSIS, CONGENITAL, AUTOSOMAL RECESSIVE 1, WITH OR WITHOUT BATHING SUIT DISTRIBUTION; COLLODION FETUS; DESQUAMATION OF NEWBORN; ICHTHYOSIS, CONGENITAL, AUTOSOMAL RECESSIVE 1, WITH BATHING SUIT DISTRIBUTION; ICHTHYOSIS CONGENITA; ICHTHYOSIS CONGENITA II. Identifiers: MedGen C4551630, MONDO:0009441, OMIM 242300.
TGM1-related disorder. Also called: TGM1-related condition.

Allele frequency attached by ClinVar (database versions not stated): gnomAD exomes 0.00006; gnomAD 0.00007 and 0.00009; ExAC 0.00008; TOPMed 0.00009; ESP Exome Variant Server 0.00023; 1000 Genomes Project 30x 0.00062; 1000 Genomes Project 0.00080.

Submissions (4):

Labcorp Genetics (formerly Invitae), Labcorp
Classification: Likely benign. Last evaluated: 2025-12-24. Review status: criteria provided, single submitter. Criteria: Invitae Variant Classification Sherloc (09022015). Collection method: clinical testing. Allele origin: germline.

Blueprint Genetics
Classification: Likely benign. Last evaluated: 2024-09-16. Review status: criteria provided, single submitter. Criteria: ACMG Guidelines, 2015. Collection method: clinical testing. Allele origin: germline.

Natera, Inc.
Classification: Likely benign for Autosomal recessive congenital ichthyosis type 1. Last evaluated: 2021-01-19. Review status: no assertion criteria provided. Collection method: clinical testing. Allele origin: germline. Not counted in ClinVar's aggregate classification.

PreventionGenetics, part of Exact Sciences
Classification: Likely benign for TGM1-related condition. Last evaluated: 2019-08-21. Review status: no assertion criteria provided. Collection method: clinical testing. Allele origin: germline. Not counted in ClinVar's aggregate classification.
Comment: This variant is classified as likely benign based on ACMG/AMP sequence variant interpretation guidelines (Richards et al. 2015 PMID: 25741868, with internal and published modifications).